The following is an entry in ClinVar:

NM_014140.4(SMARCAL1):c.2046G>C (p.Lys682Asn)

Gene: SMARCAL1 (SNF2 related chromatin remodeling annealing helicase 1; plus strand). Cytogenetic location: 2q35.
Variant type: single nucleotide variant.
Coding change: c.2046G>C on transcript NM_014140.4 (MANE Select); coding-DNA position 2046, G replaced by C.
Protein change: p.Lys682Asn; replaces lysine 682 with asparagine.
Molecular consequence: missense variant.
Genome position (GRCh38, 1-based): chr2:216,451,040, G>C. VCF-style: chr2-216451040-G-C. GRCh37 (hg19) VCF-style: chr2-217315763-G-C.
Other names: c.2046G>C, p.Lys682Asn (NM_001127207.2); short protein forms K682N.
Identifiers: ClinVar variation 2001242 (VCV002001242.4), dbSNP rs2469017220, ClinGen allele CA350502286.
Genomic context (GRCh38, chr2:216,451,040, plus strand): 5'-GGTGATTGCCCCAGGACGGATCAATGCCAGGACCAGAGCTGCCCTGGATGCTGCAGCCAA[G>C]GAAATGACCACCAAGGACAAAACTGTGAGTCCAGGGCTGGAGACAGATTTGGAAGCAGAC-3'
Protein context (NP_054859.2, residues 672-692): RTRAALDAAA[Lys682Asn]EMTTKDKTKQ

ClinVar aggregate classification (germline): Uncertain significance (1 of 4 stars; one submission).

Conditions:
Schimke immuno-osseous dysplasia (SIOD). Also called: Schimke Immunoosseous Dysplasia. Identifiers: Orphanet 1830, MedGen C0877024, MONDO:0009458, OMIM 242900.

Submission:

Labcorp Genetics (formerly Invitae), Labcorp
Classification: Uncertain significance for Schimke immuno-osseous dysplasia. Last evaluated: 2024-11-04. Review status: criteria provided, single submitter. Criteria: Invitae Variant Classification Sherloc (09022015). Collection method: clinical testing. Allele origin: germline.
Comment: This sequence change replaces lysine, which is basic and polar, with asparagine, which is neutral and polar, at codon 682 of the SMARCAL1 protein (p.Lys682Asn). This variant is not present in population databases (gnomAD no frequency). This variant has not been reported in the literature in individuals affected with SMARCAL1-related conditions. ClinVar contains an entry for this variant (Variation ID: 2001242). Invitae Evidence Modeling of protein sequence and biophysical properties (such as structural, functional, and spatial information, amino acid conservation, physicochemical variation, residue mobility, and thermodynamic stability) indicates that this missense variant is not expected to disrupt SMARCAL1 protein function with a negative predictive value of 80%. In summary, the available evidence is currently insufficient to determine the role of this variant in disease. Therefore, it has been classified as a Variant of Uncertain Significance.